The following is an entry in ClinVar:

ClinVar aggregate classification (germline): Benign. Review status: criteria provided, multiple submitters, no conflicts (2 of 4 stars). 7 submissions from 6 submitters: Benign (6). 1 of the submissions does not count toward it. Last evaluated 2026-02-01.

Conditions:
Emery-Dreifuss muscular dystrophy 4, autosomal dominant (EDMD4). Also called: EMERY-DREIFUSS MUSCULAR DYSTROPHY 4 WITH VARIABLE FEATURES. Identifiers: Orphanet 261, MedGen C2751807, MONDO:0013071, OMIM 612998.
Autosomal recessive ataxia, Beauce type. Also called: SYNE1-Related Autosomal Recessive Cerebellar Ataxia; ATAXIA, RECESSIVE, OF BEAUCE; Spinocerebellar ataxia, autosomal recessive 8; SYNE1 Deficiency. Identifiers: Orphanet 88644, MedGen C1853116, MONDO:0012549, OMIM 610743.

Allele frequency attached by ClinVar (database versions not stated): gnomAD exomes 0.00341 and 0.00927; gnomAD 0.03530 and 0.03822; 1000 Genomes Project 30x 0.03841; ESP Exome Variant Server 0.04306; 1000 Genomes Project 0.03534; TOPMed 0.03949; ExAC 0.01161.
gnomAD v4.1: 10,502 of 1,614,172 alleles (0.65%); highest among the groups gnomAD compares: African/African-American, 12%; 587 homozygotes.

Submissions (7):

Labcorp Genetics (formerly Invitae), Labcorp
Classification: Benign for Emery-Dreifuss muscular dystrophy 4, autosomal dominant; Autosomal recessive ataxia, Beauce type. Last evaluated: 2026-02-01. Review status: criteria provided, single submitter. Criteria: Invitae Variant Classification Sherloc (09022015). Collection method: clinical testing. Allele origin: germline.

Athena Diagnostics
Classification: Benign. Last evaluated: 2019-04-29. Review status: criteria provided, single submitter. Criteria: Athena Diagnostics Criteria. Collection method: clinical testing. Allele origin: germline.

Mayo Clinic Laboratories, Mayo Clinic
Classification: Benign. Last evaluated: 2018-05-23. Review status: criteria provided, single submitter. Criteria: ACMG Guidelines, 2015. Collection method: clinical testing. Allele origin: germline. Observed: 26 variant alleles.

Illumina Laboratory Services, Illumina
Classification: Benign for Emery-Dreifuss muscular dystrophy 4, autosomal dominant. Last evaluated: 2018-01-13. Review status: criteria provided, single submitter. Criteria: ICSL Variant Classification Criteria 13 December 2019. Collection method: clinical testing. Allele origin: germline.
Comment: This variant was observed in the ICSL laboratory as part of a predisposition screen in an ostensibly healthy population. It had not been previously curated by ICSL or reported in the Human Gene Mutation Database (HGMD: prior to June 1st, 2018), and was therefore a candidate for classification through an automated scoring system. Utilizing variant allele frequency, disease prevalence and penetrance estimates, and inheritance mode, an automated score was calculated to assess if this variant is too frequent to cause the disease. Based on the score and internal cut-off values, a variant classified as benign is not then subjected to further curation. The score for this variant resulted in a classification of benign for this disease.

Illumina Laboratory Services, Illumina
Classification: Benign for Autosomal recessive ataxia, Beauce type. Last evaluated: 2018-01-13. Review status: criteria provided, single submitter. Criteria: ICSL Variant Classification Criteria 13 December 2019. Collection method: clinical testing. Allele origin: germline.
Comment: the same text as in the submission from Illumina Laboratory Services, Illumina above.

GeneDx
Classification: Benign. Last evaluated: 2016-05-23. Review status: criteria provided, single submitter. Criteria: GeneDx Variant Classification (06012015). Collection method: clinical testing. Allele origin: germline. Affected: yes.
Comment: This variant is considered likely benign or benign based on one or more of the following criteria: it is a conservative change, it occurs at a poorly conserved position in the protein, it is predicted to be benign by multiple in silico algorithms, and/or has population frequency not consistent with disease.

Genetic Services Laboratory, University of Chicago
Classification: Likely benign for AllHighlyPenetrant. Review status: no assertion criteria provided. Collection method: clinical testing. Allele origin: germline. Inheritance: Autosomal dominant inheritance. Not counted in ClinVar's aggregate classification.
Comment: Likely benign based on allele frequency in 1000 Genomes Project or ESP global frequency and its presence in a patient with a rare or unrelated disease phenotype. NOT Sanger confirmed.

NM_182961.4(SYNE1):c.9954C>T (p.Ser3318=)

Gene: SYNE1 (spectrin repeat containing nuclear envelope protein 1; minus strand). Cytogenetic location: 6q25.2.
Variant type: single nucleotide variant.
Coding change: c.9954C>T on transcript NM_182961.4 (MANE Select); coding-DNA position 9954, C replaced by T.
Protein change: p.Ser3318=; no amino-acid change (serine 3318 retained).
Molecular consequence: synonymous variant.
Genome position (GRCh38, 1-based): chr6:152,367,236, G>A on the plus strand (C>T on the coding strand, the complement: SYNE1 is on the minus strand). VCF-style: chr6-152367236-G-A. GRCh37 (hg19) VCF-style: chr6-152688371-G-A.
Other names: p.Ser3325=; c.9975C>T, p.Ser3325= (NM_033071.5).
Identifiers: ClinVar variation 130455 (VCV000130455.20), dbSNP rs73626656, ClinGen allele CA155499.